The following is an entry in ClinVar:

ClinVar aggregate classification (germline): Pathogenic (1 of 4 stars; one submission).

Submission:

CeGaT Center for Human Genetics Tuebingen
Classification: Pathogenic. Last evaluated: 2024-06-01. Review status: criteria provided, single submitter. Criteria: CeGaT Center For Human Genetics Tuebingen Variant Classification Criteria Version 2. Collection method: clinical testing. Allele origin: germline. Affected: yes. Observed: 1 variant allele.
Comment: GLUD1: PS2, PM2, PM5, PP2, PP3

NM_005271.5(GLUD1):c.944A>G (p.His315Arg)

Gene: GLUD1 (glutamate dehydrogenase 1; minus strand). Cytogenetic location: 10q23.2.
Variant type: single nucleotide variant.
Coding change: c.944A>G on transcript NM_005271.5 (MANE Select); coding-DNA position 944, A replaced by G.
Protein change: p.His315Arg; replaces histidine 315 with arginine.
Molecular consequence: missense variant.
Genome position (GRCh38, 1-based): chr10:87,061,030, T>C on the plus strand (A>G on the coding strand, the complement: GLUD1 is on the minus strand). VCF-style: chr10-87061030-T-C. GRCh37 (hg19) VCF-style: chr10-88820787-T-C.
Other names: c.545A>G, p.His182Arg (NM_001318900.1); c.443A>G, p.His148Arg (NM_001318901.1, NM_001318902.1, NM_001318904.2 and 2 more transcripts); short protein forms H148R, H182R, H315R.
Identifiers: ClinVar variation 3251213 (VCV003251213.18), dbSNP rs2539820419.
Genomic context (GRCh38, chr10:87,061,030, plus strand): 5'-CCATCAGACTCACCAACAGCAATACATTTAGCACCAAAACGATGTAAATATCTCATAGAG[T>C]GTAGGCCCACATTACCAAATCCCTGTGAAGAACAATTACCCATAACACAAAAATTAAAGT-3'
Protein context (NP_005262.1, residues 305-325): VVQGFGNVGL[His315Arg]SMRYLHRFGA